The following is an entry in ClinVar:

NM_001813.3(CENPE):c.1596T>C (p.Asn532=)

Gene: CENPE (centromere protein E; minus strand). Cytogenetic location: 4q24.
Variant type: single nucleotide variant.
Coding change: c.1596T>C on transcript NM_001813.3 (MANE Select); coding-DNA position 1596, T replaced by C.
Protein change: p.Asn532=; no amino-acid change (asparagine 532 retained).
Molecular consequence: synonymous variant.
Genome position (GRCh38, 1-based): chr4:103,174,787, A>G on the plus strand (T>C on the coding strand, the complement: CENPE is on the minus strand). VCF-style: chr4-103174787-A-G. GRCh37 (hg19) VCF-style: chr4-104095944-A-G.
Other names: c.1596T>C, p.Asn532= (NM_001286734.2).
Identifiers: ClinVar variation 4874042 (VCV004874042.2).
Genomic context (GRCh38, chr4:103,174,787, plus strand): 5'-CTCTCTTACCTCTTGATCTTTTTTAGTTTTTCTTTCTAGAGCCTCAAATTCATCCAAATC[A>G]TTCTTTTCTTTTAATTTCAATTCCATTTCTTCTTTTTCTGTTCGTAGTTGTTCATAGTCT-3'
Protein context (NP_001804.2, residues 522-542): EEMELKLKEK[Asn532=]DLDEFEALER

ClinVar aggregate classification (germline): Likely benign (1 of 4 stars; one submission).

gnomAD v4.1: 13 of 1,556,100 alleles (0.00084%); highest among the groups gnomAD compares: Non-Finnish European, 0.0011%; no homozygotes.

Submission:

CeGaT Center for Human Genetics Tuebingen
Classification: Likely benign. Last evaluated: 2026-04-01. Review status: criteria provided, single submitter. Criteria: CeGaT Center For Human Genetics Tuebingen Variant Classification Criteria Version 2. Collection method: clinical testing. Allele origin: germline. Affected: yes. Observed: 1 variant allele.
Comment: CENPE: BP4, BP7